The following is an entry in ClinVar:

ClinVar aggregate classification (germline): Pathogenic (1 of 4 stars; one submission).

Submission:

Clinical Genomics Laboratory, Laboratory for Precision Diagnostics, University of Washington
Classification: Pathogenic. Last evaluated: 2021-11-01. Review status: criteria provided, single submitter. Criteria: ACMG/ClinGen CNV Guidelines, 2019. Collection method: clinical testing. Allele origin: unknown. Affected: yes. Observed: 1 variant allele.
Comment: A pathogenic interstitial deletion in 6p24.1 to p22.3 was detected that encompasses JARID2 and ATXN1. Heterozygous deletions of this region have been found in people with failure to thrive and dysmorphic features.

Literature cited by the submitters: PubMed 33077894; PubMed 23294540.

GRCh38/hg38 6p24.1-22.3(chr6:12020008-22846454)x1

Genes: ATXN1 (ataxin 1; minus strand), ATXN1-AS1 (ATXN1 antisense RNA 1; plus strand), CAP2 (cyclase associated actin cytoskeleton regulatory protein 2; plus strand), CASC15 (cancer susceptibility 15; plus strand), CD83 (CD83 molecule; plus strand) and 379 more. Cytogenetic location: 6p24.1-22.3.
Variant type: copy number loss.
Change: copy number 1 (one copy instead of two) of chr6:12,020,008-22,846,454 (10.83 Mb, GRCh38 coordinates, 1-based), cytogenetic band 6p24.1-22.3.
Identifiers: ClinVar variation 4755369 (VCV004755369.1).